The following is an entry in ClinVar:

NM_001367624.2(ZNF469):c.10871G>A (p.Arg3624His)

Gene: ZNF469 (zinc finger protein 469; plus strand). Cytogenetic location: 16q24.2.
Variant type: single nucleotide variant.
Coding change: c.10871G>A on transcript NM_001367624.2 (MANE Select); coding-DNA position 10871, G replaced by A.
Protein change: p.Arg3624His; replaces arginine 3624 with histidine.
Molecular consequence: missense variant.
Genome position (GRCh38, 1-based): chr16:88,438,341, G>A. VCF-style: chr16-88438341-G-A. GRCh37 (hg19) VCF-style: chr16-88504749-G-A.
Other names: NM_001127464.1:c.10787G>A; short protein forms R3624H.
Identifiers: ClinVar variation 1400262 (VCV001400262.6), dbSNP rs746511029, ClinGen allele CA8225558.
Genomic context (GRCh38, chr16:88,438,341, plus strand): 5'-CGGGAGCCAGAGGCCAAGATGCGGAGGGAAAGAGGGCTCCTCTCGTGTTCTCAGGGAAAC[G>A]CAGGGCCCCGGGTGCCCGTGGCAGGTGTGCCCCTGACCATTTCCAGGAAGACCACCTACT-3'
Protein context (NP_001354553.1, residues 3614-3634): KRAPLVFSGK[Arg3624His]RAPGARGRCA

ClinVar aggregate classification (germline): Conflicting classifications of pathogenicity. Review status: criteria provided, conflicting classifications (1 of 4 stars). 3 submissions from 3 submitters: Uncertain significance (2); Likely benign (1). Last evaluated 2025-04-23.

Conditions:
Cardiovascular phenotype. Identifiers: MedGen CN230736.

Allele frequency attached by ClinVar (database versions not stated): ExAC 0.00006; TOPMed 0.00002; gnomAD 0.00001; gnomAD exomes 0.00002.
gnomAD v4.1: 27 of 1,550,130 alleles (0.0017%); highest among the groups gnomAD compares: Middle Eastern, 0.017%; no homozygotes.

Submissions (3):

Women's Health and Genetics/Laboratory Corporation of America, LabCorp
Classification: Uncertain significance. Last evaluated: 2025-04-23. Review status: criteria provided, single submitter. Criteria: LabCorp Variant Classification Summary - May 2015. Collection method: clinical testing. Allele origin: germline.
Comment: Variant summary: ZNF469 c.10871G>A (p.Arg3624His) results in a non-conservative amino acid change in the encoded protein sequence. Three of four in-silico tools predict a benign effect of the variant on protein function. The variant allele was found at a frequency of 2e-05 in 150024 control chromosomes. The available data on variant occurrences in the general population are insufficient to allow any conclusion about variant significance. To our knowledge, no occurrence of c.10871G>A in individuals affected with Brittle cornea syndrome 1 and no experimental evidence demonstrating its impact on protein function have been reported. ClinVar contains an entry for this variant (Variation ID: 1400262). Based on the evidence outlined above, the variant was classified as uncertain significance.

Ambry Genetics
Classification: Likely benign for Cardiovascular phenotype. Last evaluated: 2021-11-30. Review status: criteria provided, single submitter. Criteria: Ambry Variant Classification Scheme 2023. Collection method: clinical testing. Allele origin: germline.

Labcorp Genetics (formerly Invitae), Labcorp
Classification: Uncertain significance. Last evaluated: 2021-11-23. Review status: criteria provided, single submitter. Criteria: Invitae Variant Classification Sherloc (09022015). Collection method: clinical testing. Allele origin: germline.
Comment: This sequence change replaces arginine, which is basic and polar, with histidine, which is basic and polar, at codon 3596 of the ZNF469 protein (p.Arg3596His). This variant is present in population databases (rs746511029, gnomAD 0.004%). This variant has not been reported in the literature in individuals affected with ZNF469-related conditions. Algorithms developed to predict the effect of missense changes on protein structure and function output the following: SIFT: "Tolerated"; PolyPhen-2: "Benign"; Align-GVGD: "Class C0". The histidine amino acid residue is found in multiple mammalian species, which suggests that this missense change does not adversely affect protein function. In summary, the available evidence is currently insufficient to determine the role of this variant in disease. Therefore, it has been classified as a Variant of Uncertain Significance.